The following is an entry in ClinVar:

NM_001942.4(DSG1):c.1105G>A (p.Ala369Thr)

Gene: DSG1 (desmoglein 1; plus strand). Cytogenetic location: 18q12.1.
Variant type: single nucleotide variant.
Coding change: c.1105G>A on transcript NM_001942.4 (MANE Select); coding-DNA position 1105, G replaced by A.
Protein change: p.Ala369Thr; replaces alanine 369 with threonine.
Molecular consequence: missense variant.
Genome position (GRCh38, 1-based): chr18:31,336,453, G>A. VCF-style: chr18-31336453-G-A. GRCh37 (hg19) VCF-style: chr18-28916416-G-A.
Other names: short protein forms A369T.
Identifiers: ClinVar variation 2314168 (VCV002314168.4), dbSNP rs755194633, ClinGen allele CA8926016.

ClinVar aggregate classification (germline): Uncertain significance. Review status: criteria provided, multiple submitters, no conflicts (2 of 4 stars). 2 submissions from 2 submitters: Uncertain significance (2). Last evaluated 2024-07-24.

Conditions:
Inborn genetic diseases. Identifiers: MedGen C0950123, MeSH D030342.

Allele frequency attached by ClinVar (database versions not stated): gnomAD exomes below 0.00001; ExAC 0.00001.
gnomAD v4.1: 2 of 1,613,928 alleles (0.00012%); highest among the groups gnomAD compares: Non-Finnish European, 0.00017%; no homozygotes.

Submissions (2):

Labcorp Genetics (formerly Invitae), Labcorp
Classification: Uncertain significance. Last evaluated: 2024-07-24. Review status: criteria provided, single submitter. Criteria: Invitae Variant Classification Sherloc (09022015). Collection method: clinical testing. Allele origin: germline.
Comment: This sequence change replaces alanine, which is neutral and non-polar, with threonine, which is neutral and polar, at codon 369 of the DSG1 protein (p.Ala369Thr). This variant is present in population databases (rs755194633, gnomAD 0.0009%). This variant has not been reported in the literature in individuals affected with DSG1-related conditions. ClinVar contains an entry for this variant (Variation ID: 2314168). Advanced modeling of protein sequence and biophysical properties (such as structural, functional, and spatial information, amino acid conservation, physicochemical variation, residue mobility, and thermodynamic stability) performed at Invitae indicates that this missense variant is not expected to disrupt DSG1 protein function with a negative predictive value of 80%. In summary, the available evidence is currently insufficient to determine the role of this variant in disease. Therefore, it has been classified as a Variant of Uncertain Significance.

Ambry Genetics
Classification: Uncertain significance for Inborn genetic diseases. Last evaluated: 2022-09-28. Review status: criteria provided, single submitter. Criteria: Ambry Variant Classification Scheme 2023. Collection method: clinical testing. Allele origin: germline.